The following is an entry in ClinVar:

ClinVar aggregate classification (germline): Likely pathogenic (1 of 4 stars; one submission).

Conditions:
Cornelia de Lange syndrome 6 (CDLS6). Identifiers: MedGen C5882712, MONDO:0957921, OMIM 620568.

Submission:

3billion
Classification: Likely pathogenic for Cornelia de Lange syndrome 6. Last evaluated: 2023-12-29. Review status: criteria provided, single submitter. Criteria: ACMG Guidelines, 2015. Collection method: clinical testing. Allele origin: germline. Affected: yes.
Comment: The variant is not observed in the gnomAD v2.1.1 dataset. Predicted Consequence/Location: Frameshift: predicted to result in a loss or disruption of normal protein function through nonsense-mediated decay (NMD) or protein truncation. Multiple pathogenic variants are reported downstream of the variant. Therefore, this variant is classified as Likely pathogenic according to the recommendation of ACMG/AMP guideline.

NM_001379291.1(BRD4):c.394_395del (p.Met132fs)

Gene: BRD4 (bromodomain containing 4; minus strand). Cytogenetic location: 19p13.12.
Variant type: Deletion.
Coding change: c.394_395del on transcript NM_001379291.1 (MANE Select); coding-DNA positions 394 to 395, 2 bases deleted (AT; older notation c.394_395delAT).
Protein change: p.Met132fs; shifts the reading frame from methionine 132.
Molecular consequence: frameshift variant.
Genome position (GRCh38, 1-based): chr19:15,268,933-15,268,934, AT deleted on the plus strand (AT on the coding strand, the reverse complement: BRD4 is on the minus strand); deleting any 2 consecutive bases within chr19:15,268,933-15,268,935 gives the same sequence; the c. name uses the placement nearest the transcript's 3' end. VCF-style (leftmost placement, unchanged base first): chr19-15268932-CAT-C. GRCh37 (hg19) VCF-style: chr19-15379743-CAT-C.
Other names: c.394_395del, p.Met132fs (NM_001330384.2, NM_001379292.1, NM_014299.3 and 1 more transcripts); short protein forms M132fs.
Identifiers: ClinVar variation 3775476 (VCV003775476.1).